The following is an entry in ClinVar:

ClinVar aggregate classification (germline): Conflicting classifications of pathogenicity. Review status: criteria provided, conflicting classifications (1 of 4 stars). 7 submissions from 7 submitters: Uncertain significance (3); Benign (1); Likely benign (3). Last evaluated 2025-11-11.

Conditions:
Cardiovascular phenotype. Identifiers: MedGen CN230736.

Allele frequency attached by ClinVar (database versions not stated): ExAC 0.00006; gnomAD exomes 0.00015 and 0.00023; TOPMed 0.00016; gnomAD 0.00023 and 0.00024.
gnomAD v4.1: 356 of 1,548,902 alleles (0.023%); highest among the groups gnomAD compares: Non-Finnish European, 0.03%; 1 homozygote.

Submissions (7):

Women's Health and Genetics/Laboratory Corporation of America, LabCorp
Classification: Uncertain significance. Last evaluated: 2025-11-11. Review status: criteria provided, single submitter. Criteria: LabCorp Variant Classification Summary - May 2015. Collection method: clinical testing. Allele origin: germline.
Comment: Variant summary: ZNF469 c.891C>G (p.Phe297Leu) results in a non-conservative amino acid change in the encoded protein sequence. Algorithms developed to predict the effect of missense changes on protein structure and function are either unavailable or do not agree on the potential impact of this missense change. The variant allele was found at a frequency of 0.00015 in 151298 control chromosomes in the gnomAD database, including 1 homozygotes. This frequency is not significantly higher than estimated for disease-causing variants in ZNF469, allowing no conclusion about variant significance. To our knowledge, no occurrence of c.891C>G in individuals affected with ZNF469-related conditions and no experimental evidence demonstrating its impact on protein function have been reported. ClinVar contains an entry for this variant (Variation ID: 808120). Based on the evidence outlined above, the variant was classified as uncertain significance.

Mayo Clinic Laboratories, Mayo Clinic
Classification: Benign. Last evaluated: 2025-08-25. Review status: criteria provided, single submitter. Criteria: ACMG Guidelines, 2015. Collection method: clinical testing. Allele origin: germline. Observed: 1 variant allele.
Comment: BS1, BP4_strong

CeGaT Center for Human Genetics Tuebingen
Classification: Uncertain significance. Last evaluated: 2024-11-01. Review status: criteria provided, single submitter. Criteria: CeGaT Center For Human Genetics Tuebingen Variant Classification Criteria Version 2. Collection method: clinical testing. Allele origin: germline. Affected: yes. Observed: 4 variant alleles.

Blueprint Genetics
Classification: Likely benign. Last evaluated: 2024-10-03. Review status: criteria provided, single submitter. Criteria: ACMG Guidelines, 2015. Collection method: clinical testing. Allele origin: germline.

Ambry Genetics
Classification: Likely benign for Cardiovascular phenotype. Last evaluated: 2023-03-23. Review status: criteria provided, single submitter. Criteria: Ambry Variant Classification Scheme 2023. Collection method: clinical testing. Allele origin: germline.

Labcorp Genetics (formerly Invitae), Labcorp
Classification: Uncertain significance. Last evaluated: 2022-08-08. Review status: criteria provided, single submitter. Criteria: Invitae Variant Classification Sherloc (09022015). Collection method: clinical testing. Allele origin: germline.
Comment: This sequence change replaces phenylalanine, which is neutral and non-polar, with leucine, which is neutral and non-polar, at codon 297 of the ZNF469 protein (p.Phe297Leu). This variant is present in population databases (rs770483852, gnomAD 0.03%), including at least one homozygous and/or hemizygous individual. This variant has not been reported in the literature in individuals affected with ZNF469-related conditions. ClinVar contains an entry for this variant (Variation ID: 808120). Algorithms developed to predict the effect of missense changes on protein structure and function (SIFT, PolyPhen-2, Align-GVGD) all suggest that this variant is likely to be tolerated. In summary, the available evidence is currently insufficient to determine the role of this variant in disease. Therefore, it has been classified as a Variant of Uncertain Significance.

GeneDx
Classification: Likely benign. Last evaluated: 2020-06-24. Review status: criteria provided, single submitter. Criteria: GeneDx Variant Classification Process June 2021. Collection method: clinical testing. Allele origin: germline. Affected: yes.

NM_001367624.2(ZNF469):c.891C>G (p.Phe297Leu)

Gene: ZNF469 (zinc finger protein 469; plus strand). Cytogenetic location: 16q24.2.
Variant type: single nucleotide variant.
Coding change: c.891C>G on transcript NM_001367624.2 (MANE Select); coding-DNA position 891, C replaced by G.
Protein change: p.Phe297Leu; replaces phenylalanine 297 with leucine.
Molecular consequence: missense variant.
Genome position (GRCh38, 1-based): chr16:88,428,361, C>G. VCF-style: chr16-88428361-C-G. GRCh37 (hg19) VCF-style: chr16-88494769-C-G.
Other names: NM_001127464.1:c.891C>G; p.Phe297Leu; short protein forms F297L.
Identifiers: ClinVar variation 808120 (VCV000808120.50), dbSNP rs770483852, ClinGen allele CA8224634.
Genomic context (GRCh38, chr16:88,428,361, plus strand): 5'-CCCGGCACTGCATGGGGCCAGCACAAAACCCTTCCCTGCGGATGTGGCTGGGCACGCATT[C>G]ACCAATGGGCCACTGGTGTTTGCCTTCCATCAGCCCCAGGGAGCGTGGCCGGAGGAGGCC-3'
Protein context (NP_001354553.1, residues 287-307): PFPADVAGHA[Phe297Leu]TNGPLVFAFH